The following is an entry in ClinVar:

NM_002529.4(NTRK1):c.913G>A (p.Val305Met)

Gene: NTRK1 (neurotrophic receptor tyrosine kinase 1; plus strand). Cytogenetic location: 1q23.1.
Variant type: single nucleotide variant.
Coding change: c.913G>A on transcript NM_002529.4 (MANE Select); coding-DNA position 913, G replaced by A.
Protein change: p.Val305Met; replaces valine 305 with methionine.
Molecular consequence: missense variant.
Genome position (GRCh38, 1-based): chr1:156,873,695, G>A. VCF-style: chr1-156873695-G-A. GRCh37 (hg19) VCF-style: chr1-156843487-G-A.
Other names: c.913G>A, p.Val305Met (NM_001007204.1, NM_001012331.2); c.823G>A, p.Val275Met (NM_001007792.1); short protein forms V305M, V275M.
Identifiers: ClinVar variation 1765940 (VCV001765940.2), dbSNP rs374365794, ClinGen allele CA342935690.
Genomic context (GRCh38, chr1:156,873,695, plus strand): 5'-CCGGCCAGTGTGCAGCTGCACACGGCGGTGGAGATGCACCACTGGTGCATCCCCTTCTCT[G>A]TGGATGGGCAGCCGGCACCGTCTCTGCGCTGGCTCTTCAATGGCTCCGTGCTCAATGAGA-3'
Protein context (NP_002520.2, residues 295-315): EMHHWCIPFS[Val305Met]DGQPAPSLRW

ClinVar aggregate classification (germline): Uncertain significance (1 of 4 stars; one submission).

Conditions:
Inborn genetic diseases. Identifiers: MedGen C0950123, MeSH D030342.

Allele frequency attached by ClinVar (database versions not stated): gnomAD exomes below 0.00001; TOPMed below 0.00001.
gnomAD v4.1: 1 of 1,611,612 alleles (0.000062%); highest among the groups gnomAD compares: Non-Finnish European, 0.000085%; no homozygotes.

Submission:

Ambry Genetics
Classification: Uncertain significance for Inborn genetic diseases. Last evaluated: 2021-10-06. Review status: criteria provided, single submitter. Criteria: Ambry Variant Classification Scheme 2023. Collection method: clinical testing. Allele origin: germline.
Comment: The p.V305M variant (also known as c.913G>A), located in coding exon 8 of the NTRK1 gene, results from a G to A substitution at nucleotide position 913. The valine at codon 305 is replaced by methionine, an amino acid with highly similar properties. This amino acid position is conserved. In addition, the in silico prediction for this alteration is inconclusive. Since supporting evidence is limited at this time, the clinical significance of this alteration remains unclear.